The following is an entry in ClinVar:

ClinVar aggregate classification (germline): Benign. Review status: criteria provided, multiple submitters, no conflicts (2 of 4 stars). 2 submissions from 2 submitters: Benign (2). Last evaluated 2016-03-28.

Allele frequency attached by ClinVar (database versions not stated): ExAC 0.14519; gnomAD exomes 0.14844 and 0.14955; gnomAD 0.15289 and 0.15377; 1000 Genomes Project 0.15495; 1000 Genomes Project 30x 0.15662; ESP Exome Variant Server 0.15700; TOPMed 0.16228.
gnomAD v4.1: 242,133 of 1,614,030 alleles (15%); highest among the groups gnomAD compares: Middle Eastern, 20%; 18,846 homozygotes.

Submissions (2):

Laboratory for Molecular Medicine, Mass General Brigham Personalized Medicine
Classification: Benign. Last evaluated: 2016-03-28. Review status: criteria provided, single submitter. Criteria: LMM Criteria. Collection method: clinical testing. Allele origin: germline.
Comment: Variant identified in a genome or exome case(s) and assessed due to predicted null impact of the variant or pathogenic assertions in the literature or databases. Disclaimer: This variant has not undergone full assessment. The following are preliminary notes: Frequency

Breakthrough Genomics
Classification: Benign. Review status: criteria provided, single submitter. Criteria: ACMG Guidelines, 2015. Collection method: not provided. Allele origin: germline. Inheritance: Unknown mechanism. Affected: yes.

NM_001323572.2(CCP110):c.1299G>A (p.Ala433=)

Gene: CCP110 (centriolar coiled-coil protein 110; plus strand). Cytogenetic location: 16p12.3.
Variant type: single nucleotide variant.
Coding change: c.1299G>A on transcript NM_001323572.2 (MANE Select); coding-DNA position 1299, G replaced by A.
Protein change: p.Ala433=; no amino-acid change (alanine 433 retained).
Molecular consequence: synonymous variant.
Genome position (GRCh38, 1-based): chr16:19,536,968, G>A. VCF-style: chr16-19536968-G-A. GRCh37 (hg19) VCF-style: chr16-19548290-G-A.
Other names: c.1299G>A, p.Ala433= (NM_001199022.3, NM_001323569.2, NM_001323570.2 and 4 more transcripts).
Identifiers: ClinVar variation 402514 (VCV000402514.5), dbSNP rs7191012, ClinGen allele CA7935410.